The following is an entry in ClinVar:

NM_002662.5(PLD1):c.1244T>A (p.Ile415Asn)

Gene: PLD1 (phospholipase D1; minus strand). Cytogenetic location: 3q26.31.
Variant type: single nucleotide variant.
Coding change: c.1244T>A on transcript NM_002662.5 (MANE Select); coding-DNA position 1244, T replaced by A.
Protein change: p.Ile415Asn; replaces isoleucine 415 with asparagine.
Molecular consequence: missense variant.
Genome position (GRCh38, 1-based): chr3:171,692,426, A>T on the plus strand (T>A on the coding strand, the complement: PLD1 is on the minus strand). VCF-style: chr3-171692426-A-T. GRCh37 (hg19) VCF-style: chr3-171410216-A-T.
Other names: c.1244T>A, p.Ile415Asn (NM_001130081.3); short protein forms I415N.
Identifiers: ClinVar variation 3367277 (VCV003367277.1).

ClinVar aggregate classification (germline): Uncertain significance (1 of 4 stars; one submission).

gnomAD v4.1: 4 of 1,575,076 alleles (0.00025%); highest among the groups gnomAD compares: Admixed American, 0.0067%; no homozygotes.

Submission:

GeneDx
Classification: Uncertain significance. Last evaluated: 2024-01-07. Review status: criteria provided, single submitter. Criteria: GeneDx Variant Classification Process June 2021. Collection method: clinical testing. Allele origin: germline. Affected: yes.
Comment: Not observed at significant frequency in large population cohorts (gnomAD); In silico analysis supports that this missense variant has a deleterious effect on protein structure/function; Has not been previously published as pathogenic or benign to our knowledge